The following is an entry in ClinVar:

ClinVar aggregate classification (germline): Likely benign. Review status: criteria provided, multiple submitters, no conflicts (2 of 4 stars). 3 submissions from 3 submitters: Likely benign (3). Last evaluated 2026-01-30.

Conditions:
LRSAM1-related disorder. Also called: LRSAM1-related condition.
Charcot-Marie-Tooth disease axonal type 2P. Also called: CHARCOT-MARIE-TOOTH NEUROPATHY, TYPE 2P; Charcot-Marie-Tooth Neuropathy Type 2G; CHARCOT-MARIE-TOOTH DISEASE, AXONAL, TYPE 2G; CMT 2G. Identifiers: Orphanet 300319, Orphanet 99941, MedGen C3280797, MONDO:0013753, OMIM 614436.

gnomAD v4.1: 11 of 1,605,500 alleles (0.00069%); highest among the groups gnomAD compares: Middle Eastern, 0.017%; no homozygotes.

Submissions (3):

PreventionGenetics, part of Exact Sciences
Classification: Likely benign for LRSAM1-related condition. Last evaluated: 2026-01-30. Review status: criteria provided, single submitter. Criteria: ACMG Guidelines, 2015. Collection method: clinical testing. Allele origin: germline.
Comment: This variant is classified as likely benign based on ACMG/AMP sequence variant interpretation guidelines (Richards et al. 2015 PMID: 25741868, with internal and published modifications).

Labcorp Genetics (formerly Invitae), Labcorp
Classification: Likely benign for Charcot-Marie-Tooth disease axonal type 2P. Last evaluated: 2025-10-07. Review status: criteria provided, single submitter. Criteria: Invitae Variant Classification Sherloc (09022015). Collection method: clinical testing. Allele origin: germline.

Blueprint Genetics
Classification: Likely benign. Last evaluated: 2023-04-26. Review status: criteria provided, single submitter. Criteria: ACMG Guidelines, 2015. Collection method: clinical testing. Allele origin: germline.

NM_001005373.4(LRSAM1):c.406+16C>T

Gene: LRSAM1 (leucine rich repeat and sterile alpha motif containing 1; plus strand). Cytogenetic location: 9q33.3.
Variant type: single nucleotide variant.
Coding change: c.406+16C>T on transcript NM_001005373.4 (MANE Select); 16 bases into the intron after coding-DNA position 406, C replaced by T.
Molecular consequence: intron variant.
Genome position (GRCh38, 1-based): chr9:127,461,273, C>T. VCF-style: chr9-127461273-C-T. GRCh37 (hg19) VCF-style: chr9-130223552-C-T.
Other names: c.406+16C>T (NM_138361.5, NM_001384142.1, NM_001384143.1 and 2 more transcripts); c.-379+16C>T (NM_001384144.1).
Identifiers: ClinVar variation 4746688 (VCV004746688.3).
Genomic context (GRCh38, chr9:127,461,273, plus strand): 5'-GTTCCATTGGGAACCTGACCCAGCTCCAGACTCTCAATGTTAAAGGTAGGGACCAAGAAG[C>T]CGTGTCCGTGTGACCCTCCATCAGCTCTGGGCCATCCTGGCCGGGATCCACAGGCTGCCC-3'